The following is an entry in ClinVar:

NM_005618.4(DLL1):c.526C>T (p.Arg176Cys)

Gene: DLL1 (delta like canonical Notch ligand 1; minus strand). Cytogenetic location: 6q27.
Variant type: single nucleotide variant.
Coding change: c.526C>T on transcript NM_005618.4 (MANE Select); coding-DNA position 526, C replaced by T.
Protein change: p.Arg176Cys; replaces arginine 176 with cysteine.
Molecular consequence: missense variant.
Genome position (GRCh38, 1-based): chr6:170,288,383, G>A on the plus strand (C>T on the coding strand, the complement: DLL1 is on the minus strand). VCF-style: chr6-170288383-G-A. GRCh37 (hg19) VCF-style: chr6-170597471-G-A.
Other names: short protein forms R176C.
Identifiers: ClinVar variation 2499949 (VCV002499949.3), dbSNP rs2483358270, ClinGen allele CA366509375.

ClinVar aggregate classification (germline): Uncertain significance. Review status: criteria provided, multiple submitters, no conflicts (2 of 4 stars). 2 submissions from 2 submitters: Uncertain significance (2). Last evaluated 2026-01-25.

Conditions:
Neurodevelopmental disorder with nonspecific brain abnormalities and with or without seizures. Identifiers: MedGen C5231470, MONDO:0032877, OMIM 618709.

Submissions (2):

GeneDx
Classification: Uncertain significance. Last evaluated: 2026-01-25. Review status: criteria provided, single submitter. Criteria: GeneDx Variant Classification Process June 2021. Collection method: clinical testing. Allele origin: germline.
Comment: Not observed at significant frequency in large population cohorts (gnomAD); In silico analysis supports that this missense variant has a deleterious effect on protein structure/function; Has not been previously published as pathogenic or benign to our knowledge

Genomic Medicine Center of Excellence, King Faisal Specialist Hospital and Research Centre
Classification: Uncertain significance for Neurodevelopmental disorder with nonspecific brain abnormalities and with or without seizures. Last evaluated: 2024-03-26. Review status: criteria provided, single submitter. Criteria: ACMG Guidelines, 2015. Collection method: clinical testing. Allele origin: germline.